The following is an entry in ClinVar:

ClinVar aggregate classification (germline): Likely benign. Review status: criteria provided, multiple submitters, no conflicts (2 of 4 stars). 3 submissions from 3 submitters: Likely benign (3). Last evaluated 2025-07-11.

Allele frequency attached by ClinVar (database versions not stated): ExAC 0.00002; gnomAD 0.00004 and 0.00011.
gnomAD v4.1: 50 of 1,585,396 alleles (0.0032%); highest among the groups gnomAD compares: Non-Finnish European, 0.0033%; no homozygotes.

Submissions (3):

Labcorp Genetics (formerly Invitae), Labcorp
Classification: Likely benign. Last evaluated: 2025-07-11. Review status: criteria provided, single submitter. Criteria: Invitae Variant Classification Sherloc (09022015). Collection method: clinical testing. Allele origin: germline.

Blueprint Genetics
Classification: Likely benign. Last evaluated: 2024-10-28. Review status: criteria provided, single submitter. Criteria: ACMG Guidelines, 2015. Collection method: clinical testing. Allele origin: germline.

CeGaT Center for Human Genetics Tuebingen
Classification: Likely benign. Last evaluated: 2023-08-01. Review status: criteria provided, single submitter. Criteria: CeGaT Center For Human Genetics Tuebingen Variant Classification Criteria Version 2. Collection method: clinical testing. Allele origin: germline. Affected: yes. Observed: 1 variant allele.
Comment: GRIN2D: BP4, BP7

NM_000836.4(GRIN2D):c.897C>G (p.Pro299=)

Gene: GRIN2D (glutamate ionotropic receptor NMDA type subunit 2D; plus strand). Cytogenetic location: 19q13.33.
Variant type: single nucleotide variant.
Coding change: c.897C>G on transcript NM_000836.4 (MANE Select); coding-DNA position 897, C replaced by G.
Protein change: p.Pro299=; no amino-acid change (proline 299 retained).
Molecular consequence: synonymous variant.
Genome position (GRCh38, 1-based): chr19:48,405,165, C>G. VCF-style: chr19-48405165-C-G. GRCh37 (hg19) VCF-style: chr19-48908422-C-G.
Identifiers: ClinVar variation 1611859 (VCV001611859.34), dbSNP rs756276428, ClinGen allele CA9550408.
Genomic context (GRCh38, chr19:48,405,165, plus strand): 5'-GGCTGGAGGCGGGGGCTCTGGGGCCCCTGGTGAGCCCCCTCTTCTGCCAGGAGGCGCCCC[C>G]CTGCCTGCCGGGCTGTTTGCAGTGCGCTCGGCTGGCTGGCGGGATGACCTGGCTCGGCGA-3'
Protein context (NP_000827.2, residues 289-309): GEPPLLPGGA[Pro299=]LPAGLFAVRS